The following is an entry in ClinVar:

ClinVar aggregate classification (germline): Uncertain significance (1 of 4 stars; one submission).

Conditions:
Combined immunodeficiency due to ZAP70 deficiency (IMD48). Also called: Immunodeficiency 48; ZAP70 Deficiency. Identifiers: Orphanet 911, MedGen C2931299, MONDO:0010023, OMIM 269840.

gnomAD v4.1: 1 of 1,614,066 alleles (0.000062%); highest among the groups gnomAD compares: Non-Finnish European, 0.000085%; no homozygotes.

Submission:

Labcorp Genetics (formerly Invitae), Labcorp
Classification: Uncertain significance for Combined immunodeficiency due to ZAP70 deficiency. Last evaluated: 2018-09-19. Review status: criteria provided, single submitter. Criteria: Invitae Variant Classification Sherloc (09022015). Collection method: clinical testing. Allele origin: germline.
Comment: In summary, the available evidence is currently insufficient to determine the role of this variant in disease. Therefore, it has been classified as a Variant of Uncertain Significance. Algorithms developed to predict the effect of missense changes on protein structure and function are either unavailable or do not agree on the potential impact of this missense change (SIFT: "Deleterious"; PolyPhen-2: "Possibly Damaging"; Align-GVGD: "Class C0"). This variant has not been reported in the literature in individuals with ZAP70-related disease. This variant is not present in population databases (ExAC no frequency). This sequence change replaces lysine with threonine at codon 372 of the ZAP70 protein (p.Lys372Thr). The lysine residue is highly conserved and there is a moderate physicochemical difference between lysine and threonine.

NM_001079.4(ZAP70):c.1115A>C (p.Lys372Thr)

Gene: ZAP70 (zeta chain of T cell receptor associated protein kinase 70; plus strand). Cytogenetic location: 2q11.2.
Variant type: single nucleotide variant.
Coding change: c.1115A>C on transcript NM_001079.4 (MANE Select); coding-DNA position 1115, A replaced by C.
Protein change: p.Lys372Thr; replaces lysine 372 with threonine.
Molecular consequence: missense variant.
Genome position (GRCh38, 1-based): chr2:97,735,282, A>C. VCF-style: chr2-97735282-A-C. GRCh37 (hg19) VCF-style: chr2-98351745-A-C.
Other names: c.1115A>C, p.Lys372Thr (NM_001378594.1); c.194A>C, p.Lys65Thr (NM_207519.2); short protein forms K372T, K65T.
Identifiers: ClinVar variation 662568 (VCV000662568.7), dbSNP rs1573284622, ClinGen allele CA347801419.